The following is an entry in ClinVar:

ClinVar aggregate classification (germline): Uncertain significance (1 of 4 stars; one submission).

Submission:

CeGaT Center for Human Genetics Tuebingen
Classification: Uncertain significance. Last evaluated: 2023-03-01. Review status: criteria provided, single submitter. Criteria: CeGaT Center For Human Genetics Tuebingen Variant Classification Criteria Version 2. Collection method: clinical testing. Allele origin: germline. Affected: yes. Observed: 1 variant allele.
Comment: ANO3: PM2

NM_031418.4(ANO3):c.2120A>G (p.Asn707Ser)

Gene: ANO3 (anoctamin 3; plus strand). Cytogenetic location: 11p14.2.
Variant type: single nucleotide variant.
Coding change: c.2120A>G on transcript NM_031418.4 (MANE Select); coding-DNA position 2120, A replaced by G.
Protein change: p.Asn707Ser; replaces asparagine 707 with serine.
Molecular consequence: missense variant.
Genome position (GRCh38, 1-based): chr11:26,639,220, A>G. VCF-style: chr11-26639220-A-G. GRCh37 (hg19) VCF-style: chr11-26660767-A-G.
Other names: c.2303A>G, p.Asn768Ser (NM_001313726.2); c.1682A>G, p.Asn561Ser (NM_001313727.2); short protein forms N561S, N707S, N768S.
Identifiers: ClinVar variation 2498509 (VCV002498509.28), dbSNP rs1853065321, ClinGen allele CA379936130.